The following is an entry in ClinVar:

NM_172107.4(KCNQ2):c.1679G>T (p.Arg560Leu)

Gene: KCNQ2 (potassium voltage-gated channel subfamily Q member 2; minus strand). Cytogenetic location: 20q13.33.
Variant type: single nucleotide variant.
Coding change: c.1679G>T on transcript NM_172107.4 (MANE Select); coding-DNA position 1679, G replaced by T.
Protein change: p.Arg560Leu; replaces arginine 560 with leucine.
Molecular consequence: missense variant.
Genome position (GRCh38, 1-based): chr20:63,413,534, C>A on the plus strand (G>T on the coding strand, the complement: KCNQ2 is on the minus strand). VCF-style: chr20-63413534-C-A. GRCh37 (hg19) VCF-style: chr20-62044887-C-A.
Other names: c.1625G>T, p.Arg542Leu (NM_001382235.1, NM_172106.3); c.1595G>T, p.Arg532Leu (NM_004518.6); c.1586G>T, p.Arg529Leu (NM_172108.5); short protein forms R529L, R532L, R542L, R560L.
Identifiers: ClinVar variation 2764248 (VCV002764248.3), dbSNP rs1057517919, ClinGen allele CA409643815.

ClinVar aggregate classification (germline): Uncertain significance (1 of 4 stars; one submission).

Conditions:
Early-infantile DEE. Also called: Ohtahara syndrome; Early infantile epileptic encephalopathy; Early infantile epileptic encephalopathy with suppression bursts. Identifiers: Orphanet 1934, MedGen C0393706, MONDO:0800491.

Submission:

Labcorp Genetics (formerly Invitae), Labcorp
Classification: Uncertain significance for Early-infantile DEE. Last evaluated: 2023-09-29. Review status: criteria provided, single submitter. Criteria: Invitae Variant Classification Sherloc (09022015). Collection method: clinical testing. Allele origin: germline.
Comment: This sequence change replaces arginine, which is basic and polar, with leucine, which is neutral and non-polar, at codon 560 of the KCNQ2 protein (p.Arg560Leu). This variant is not present in population databases (gnomAD no frequency). This variant has not been reported in the literature in individuals affected with KCNQ2-related conditions. An algorithm developed to predict the effect of missense changes on protein structure and function (PolyPhen-2) suggests that this variant is likely to be disruptive. This variant disrupts the p.Arg560 amino acid residue in KCNQ2. Other variant(s) that disrupt this residue have been determined to be pathogenic (PMID: 22275249, 24318194, 25880994). This suggests that this residue is clinically significant, and that variants that disrupt this residue are likely to be disease-causing. In summary, the available evidence is currently insufficient to determine the role of this variant in disease. Therefore, it has been classified as a Variant of Uncertain Significance.

Literature cited by the submitters: PubMed 22275249; PubMed 24318194; PubMed 25880994.